The following is an entry in ClinVar:

NM_001029.5(RPS26):c.-9G>T

Gene: RPS26 (ribosomal protein S26; plus strand). Cytogenetic location: 12q13.2.
Variant type: single nucleotide variant.
Coding change: c.-9G>T on transcript NM_001029.5 (MANE Select); 9 bases upstream of the start codon, G replaced by T.
Molecular consequence: 5 prime UTR variant.
Genome position (GRCh38, 1-based): chr12:56,042,158, G>T. VCF-style: chr12-56042158-G-T. GRCh37 (hg19) VCF-style: chr12-56435942-G-T.
Identifiers: ClinVar variation 883849 (VCV000883849.4), dbSNP rs372708429, ClinGen allele CA6621641.

ClinVar aggregate classification (germline): Likely benign (1 of 4 stars; one submission).

Conditions:
Diamond-Blackfan anemia 10 (DBA10). Also called: RPS26-Related Diamond-Blackfan Anemia. Identifiers: Orphanet 124, MedGen C2750080, MONDO:0013217, OMIM 613309.

Allele frequency attached by ClinVar (database versions not stated): TOPMed 0.00008; ESP Exome Variant Server 0.00015.

Submission:

Illumina Laboratory Services, Illumina
Classification: Likely benign for Diamond-Blackfan anemia 10. Last evaluated: 2018-01-13. Review status: criteria provided, single submitter. Criteria: ICSL Variant Classification Criteria 13 December 2019. Collection method: clinical testing. Allele origin: germline.
Comment: This variant was observed in the ICSL laboratory as part of a predisposition screen in an ostensibly healthy population. It had not been previously curated by ICSL or reported in the Human Gene Mutation Database (HGMD: prior to June 1st, 2018), and was therefore a candidate for classification through an automated scoring system. Utilizing variant allele frequency, disease prevalence and penetrance estimates, and inheritance mode, an automated score was calculated to assess if this variant is too frequent to cause the disease. Based on the score and internal cut-off values, a variant classified as likely benign is not then subjected to further curation. The score for this variant resulted in a classification of likely benign for this disease.